The following is an entry in ClinVar:

ClinVar aggregate classification (germline): Uncertain significance (0 of 4 stars; one submission).

Conditions:
CREBBP-related disorder. Also called: CREBBP-related condition; CREBBP-related disorders.

gnomAD v4.1: 2 of 1,612,046 alleles (0.00012%); highest among the groups gnomAD compares: South Asian, 0.0011%; no homozygotes.

Submission:

PreventionGenetics, part of Exact Sciences
Classification: Uncertain significance for CREBBP-related condition. Last evaluated: 2024-04-25. Review status: no assertion criteria provided. Collection method: clinical testing. Allele origin: germline.
Comment: The CREBBP c.20A>G variant is predicted to result in the amino acid substitution p.Asp7Gly. To our knowledge, this variant has not been reported in the literature or in gnomAD, indicating this variant is rare. At this time, the clinical significance of this variant is uncertain due to the absence of conclusive functional and genetic evidence.

NM_004380.3(CREBBP):c.20A>G (p.Asp7Gly)

Gene: CREBBP (CREB binding lysine acetyltransferase; minus strand). Cytogenetic location: 16p13.3.
Variant type: single nucleotide variant.
Coding change: c.20A>G on transcript NM_004380.3 (MANE Select); coding-DNA position 20, A replaced by G.
Protein change: p.Asp7Gly; replaces aspartic acid 7 with glycine.
Molecular consequence: missense variant.
Genome position (GRCh38, 1-based): chr16:3,879,897, T>C on the plus strand (A>G on the coding strand, the complement: CREBBP is on the minus strand). VCF-style: chr16-3879897-T-C. GRCh37 (hg19) VCF-style: chr16-3929898-T-C.
Other names: c.20A>G, p.Asp7Gly (NM_001079846.1); short protein forms D7G.
Identifiers: ClinVar variation 3354038 (VCV003354038.1).